The following is an entry in ClinVar:

NM_001927.4(DES):c.898-38C>T

Gene: DES (desmin; plus strand). Cytogenetic location: 2q35.
Variant type: single nucleotide variant.
Coding change: c.898-38C>T on transcript NM_001927.4 (MANE Select); 38 bases into the intron before coding-DNA position 898, C replaced by T.
Molecular consequence: intron variant.
Genome position (GRCh38, 1-based): chr2:219,420,790, C>T. VCF-style: chr2-219420790-C-T. GRCh37 (hg19) VCF-style: chr2-220285512-C-T.
Other names: c.898-38C>T (NM_001382712.1, NM_001382711.1, NM_001382710.1); c.735+444C>T (NM_001382709.1); c.895-38C>T (NM_001382708.1); c.628-38C>T (NM_001382713.1).
Identifiers: ClinVar variation 3031969 (VCV003031969.2), dbSNP rs2545252930, ClinGen allele CA2740096449.

ClinVar aggregate classification (germline): Likely benign (0 of 4 stars; one submission).

Conditions:
DES-related disorder. Also called: DES-related condition.

Submission:

PreventionGenetics, part of Exact Sciences
Classification: Likely benign for DES-related condition. Last evaluated: 2023-10-30. Review status: no assertion criteria provided. Collection method: clinical testing. Allele origin: germline.
Comment: This variant is classified as likely benign based on ACMG/AMP sequence variant interpretation guidelines (Richards et al. 2015 PMID: 25741868, with internal and published modifications).